The following is an entry in ClinVar:

ClinVar aggregate classification (germline): Uncertain significance (1 of 4 stars; one submission).

Conditions:
Hereditary breast ovarian cancer syndrome. Also called: Hereditary breast and ovarian cancer syndrome; Hereditary breast and/or ovarian cancer syndrome; BRCA1- and BRCA2-Associated Hereditary Breast and Ovarian Cancer; Hereditary breast and ovarian cancer syndrome (HBOC); Hereditary breast and ovarian cancer; Breast and ovarian cancer. Identifiers: Orphanet 145, MedGen C0677776, MeSH D061325, MONDO:0003582. Disease mechanism: loss of function.

Allele frequency attached by ClinVar (database versions not stated): TOPMed below 0.00001.

Submission:

Labcorp Genetics (formerly Invitae), Labcorp
Classification: Uncertain significance for Hereditary breast ovarian cancer syndrome. Last evaluated: 2021-12-17. Review status: criteria provided, single submitter. Criteria: Invitae Variant Classification Sherloc (09022015). Collection method: clinical testing. Allele origin: germline.
Comment: This sequence change replaces threonine, which is neutral and polar, with serine, which is neutral and polar, at codon 1550 of the BRCA1 protein (p.Thr1550Ser). This variant is not present in population databases (gnomAD no frequency). This variant has not been reported in the literature in individuals affected with BRCA1-related conditions. Advanced modeling of protein sequence and biophysical properties (such as structural, functional, and spatial information, amino acid conservation, physicochemical variation, residue mobility, and thermodynamic stability) performed at Invitae indicates that this missense variant is not expected to disrupt BRCA1 protein function. In summary, the available evidence is currently insufficient to determine the role of this variant in disease. Therefore, it has been classified as a Variant of Uncertain Significance.

NM_007294.4(BRCA1):c.4648A>T (p.Thr1550Ser)

Gene: BRCA1 (BRCA1 DNA repair associated; minus strand). Cytogenetic location: 17q21.31.
Variant type: single nucleotide variant.
Coding change: c.4648A>T on transcript NM_007294.4 (MANE Select); coding-DNA position 4648, A replaced by T.
Protein change: p.Thr1550Ser; replaces threonine 1550 with serine.
Molecular consequence: missense variant. On other transcripts: non-coding transcript variant (1).
Genome position (GRCh38, 1-based): chr17:43,074,358, T>A on the plus strand (A>T on the coding strand, the complement: BRCA1 is on the minus strand). VCF-style: chr17-43074358-T-A. GRCh37 (hg19) VCF-style: chr17-41226375-T-A.
Other names: c.4435A>T, p.Thr1479Ser (NM_001407571.1, NM_001407894.1, NM_001407895.1 and 12 more transcripts); c.4714A>T, p.Thr1572Ser (NM_001407581.1, NM_001407582.1); c.4711A>T, p.Thr1571Ser (NM_001407583.1, NM_001407585.1, NM_001407587.1 and 1 more transcripts); c.4708A>T, p.Thr1570Ser (NM_001407590.1, NM_001407591.1); c.4648A>T, p.Thr1550Ser (NM_001407593.1, NM_001407594.1, NM_001407596.1 and 8 more transcripts); c.4645A>T, p.Thr1549Ser (NM_001407610.1, NM_001407611.1, NM_001407612.1 and 17 more transcripts); c.4642A>T, p.Thr1548Ser (NM_001407627.1, NM_001407628.1, NM_001407629.1 and 14 more transcripts); c.4639A>T, p.Thr1547Ser (NM_001407644.1, NM_001407645.1); and 68 more; short protein forms T1381S, T1438S, T1461S, T1462S, T1481S, T1501S, T1507S, T1522S.
Identifiers: ClinVar variation 2045176 (VCV002045176.4), dbSNP rs1193177255, ClinGen allele CA10592215.